The following is an entry in ClinVar:

ClinVar aggregate classification (germline): Pathogenic (1 of 4 stars; one submission).

Conditions:
Autosomal recessive congenital ichthyosis 1 (LI1). Also called: COLLODION FETUS; DESQUAMATION OF NEWBORN; ICHTHYOSIS CONGENITA; ICHTHYOSIS CONGENITA II; LAMELLAR EXFOLIATION OF NEWBORN; ICHTHYOSIS, CONGENITAL, AUTOSOMAL RECESSIVE 1, WITH BATHING SUIT DISTRIBUTION. Identifiers: MedGen C4551630, MONDO:0009441, OMIM 242300.

Submission:

Myriad Genetics, Inc.
Classification: Pathogenic for Autosomal recessive congenital ichthyosis 1. Last evaluated: 2026-05-11. Review status: criteria provided, single submitter. Criteria: Myriad Autosomal Dominant, Autosomal Recessive and X-Linked Classification Criteria (2023). Collection method: clinical testing. Allele origin: unknown.
Comment: NM_000359.2(TGM1):c.1514G>A(W505*) is expected to be pathogenic in the context of TGM1-related autosomal recessive congenital ichthyosis. This variant is predicted to lead to an abnormal or absent protein product due to the creation of a premature termination codon in TGM1, a gene where loss-of-function variants are known to be pathogenic. Please note: this variant was assessed in the context of healthy population screening.

NM_000359.3(TGM1):c.1514G>A (p.Trp505Ter)

Gene: TGM1 (transglutaminase 1; minus strand). Cytogenetic location: 14q12.
Variant type: single nucleotide variant.
Coding change: c.1514G>A on transcript NM_000359.3 (MANE Select); coding-DNA position 1514, G replaced by A.
Protein change: p.Trp505Ter; replaces tryptophan 505 with a stop codon.
Molecular consequence: nonsense.
Genome position (GRCh38, 1-based): chr14:24,255,495, C>T on the plus strand (G>A on the coding strand, the complement: TGM1 is on the minus strand). VCF-style: chr14-24255495-C-T. GRCh37 (hg19) VCF-style: chr14-24724701-C-T.
Other names: short protein forms W505*.
Identifiers: ClinVar variation 5015898 (VCV005015898.1).
Genomic context (GRCh38, chr14:24,255,495, plus strand): 5'-GTGCCGATGGCCTTCTCCTCCACATAAACAATCTTGAAGCTGCCATCATCCTGCCGCTGC[C>T]AGTACACCTTGTCACTATTCACCTGTGGGGGGTGGGGGTGAGCAGGAATGAGTGAGCCAG-3'